The following is an entry in ClinVar:

NM_020433.5(JPH2):c.1417C>T (p.His473Tyr)

Gene: JPH2 (junctophilin 2; minus strand). Cytogenetic location: 20q13.12.
Variant type: single nucleotide variant.
Coding change: c.1417C>T on transcript NM_020433.5 (MANE Select); coding-DNA position 1417, C replaced by T.
Protein change: p.His473Tyr; replaces histidine 473 with tyrosine.
Molecular consequence: missense variant.
Genome position (GRCh38, 1-based): chr20:44,116,258, G>A on the plus strand (C>T on the coding strand, the complement: JPH2 is on the minus strand). VCF-style: chr20-44116258-G-A. GRCh37 (hg19) VCF-style: chr20-42744898-G-A.
Other names: short protein forms H473Y.
Identifiers: ClinVar variation 1772158 (VCV001772158.3), dbSNP rs1308500935, ClinGen allele CA409100670.

ClinVar aggregate classification (germline): Uncertain significance. Review status: criteria provided, multiple submitters, no conflicts (2 of 4 stars). 2 submissions from 2 submitters: Uncertain significance (2). Last evaluated 2024-01-27.

Conditions:
Hypertrophic cardiomyopathy 17. Identifiers: MedGen C3151264, MONDO:0013474, OMIM 613873.
Cardiovascular phenotype. Identifiers: MedGen CN230736.

Allele frequency attached by ClinVar (database versions not stated): gnomAD exomes below 0.00001; gnomAD 0.00001; TOPMed 0.00001.
gnomAD v4.1: 4 of 1,516,264 alleles (0.00026%); highest among the groups gnomAD compares: Non-Finnish European, 0.00035%; no homozygotes.

Submissions (2):

Ambry Genetics
Classification: Uncertain significance for Cardiovascular phenotype. Last evaluated: 2024-01-27. Review status: criteria provided, single submitter. Criteria: Ambry Variant Classification Scheme 2023. Collection method: clinical testing. Allele origin: germline.
Comment: The p.H473Y variant (also known as c.1417C>T), located in coding exon 4 of the JPH2 gene, results from a C to T substitution at nucleotide position 1417. The histidine at codon 473 is replaced by tyrosine, an amino acid with similar properties. This amino acid position is conserved. In addition, this alteration is predicted to be tolerated by in silico analysis. Since supporting evidence is limited at this time, the clinical significance of this alteration remains unclear.

Victorian Clinical Genetics Services, Murdoch Childrens Research Institute
Classification: Uncertain significance for Hypertrophic cardiomyopathy 17. Last evaluated: 2020-10-19. Review status: criteria provided, single submitter. Criteria: ACMG Guidelines, 2015. Collection method: clinical testing. Allele origin: germline. Inheritance: Autosomal dominant inheritance. Affected: yes.
Comment: Based on the classification scheme VCGS_Germline_v1.3.4, this variant is classified as 3B-VUS Following criteria are met: 0102 - Loss of function is a known mechanism of disease in this gene and is associated with cardiomyopathy, hypertrophic, 17 (MIM# 613873). (I) 0107 - This gene is associated with autosomal dominant disease. (I) 0200 - Variant is predicted to result in a missense amino acid change from histidine to tyrosine. (I) 0251 - This variant is heterozygous. (I) 0302 - Variant is present in gnomAD <0.001 for a dominant condition (v3: 1 heterozygote, 0 homozygotes). (SP) 0309 - An alternative amino acid change at the same position has been observed in gnomAD (v3: 1 heterozygote, 0 homozygotes). (I) 0502 - Missense variant with conflicting in silico predictions and uninformative conservation. (I) 0604 - Variant is not located in an established domain, motif, hotspot or informative constraint region. (I) 0705 - No comparable missense variants have previous evidence for pathogenicity. (I) 0807 - This variant has no previous evidence of pathogenicity. (I) 0905 - No published segregation evidence has been identified for this variant. (I) 1007 - No published functional evidence has been identified for this variant. (I) 1208 - Inheritance information for this variant is not currently available in this individual. (I) Legend: (SP) - Supporting pathogenic, (I) - Information, (SB) - Supporting benign